The following is an entry in ClinVar:

ClinVar aggregate classification (germline): Likely pathogenic (1 of 4 stars; one submission).

Submission:

Dasa
Classification: Likely pathogenic. Last evaluated: 2026-02-23. Review status: criteria provided, single submitter. Criteria: DASA Assertion Criteria. Collection method: clinical testing. Allele origin: germline.
Comment: NM_138694.4(PKHD1):c.8948_8950+2del affects a canonical splice site and is predicted to disrupt normal RNA splicing. Loss of function is an established disease mechanism for PKHD1-associated disorders. Also, this variant is absent from population databases. Based on the currently available evidence, this variant is classified as likely pathogenic.

NM_138694.4(PKHD1):c.8948_8950+2del

Gene: PKHD1 (PKHD1 ciliary IPT domain containing fibrocystin/polyductin; minus strand). Cytogenetic location: 6p12.3.
Variant type: Deletion.
Coding change: c.8948_8950+2del on transcript NM_138694.4 (MANE Select); coding-DNA position 8948 through the canonical splice donor site of the intron after coding-DNA position 8950, 5 bases deleted (CAGGT; older notation c.8948_8950+2delCAGGT).
Molecular consequence: splice donor variant.
Genome position (GRCh38, 1-based): chr6:51,753,199-51,753,203, ACCTG deleted on the plus strand (CAGGT on the coding strand, the reverse complement: PKHD1 is on the minus strand); deleting any 5 consecutive bases within chr6:51,753,199-51,753,204 gives the same sequence; the c. name uses the placement nearest the transcript's 3' end. VCF-style (leftmost placement, unchanged base first): chr6-51753198-TACCTG-T. GRCh37 (hg19) VCF-style: chr6-51617996-TACCTG-T.
Other names: c.8948_8950+2del (NM_170724.3).
Identifiers: ClinVar variation 4886568 (VCV004886568.2).